The following is an entry in ClinVar:

NM_001353921.2(ARHGEF9):c.1078-3T>C

Gene: ARHGEF9 (Cdc42 guanine nucleotide exchange factor 9; minus strand). Cytogenetic location: Xq11.1.
Variant type: single nucleotide variant.
Coding change: c.1078-3T>C on transcript NM_001353921.2 (MANE Select); 3 bases into the intron before coding-DNA position 1078, T replaced by C.
Molecular consequence: intron variant.
Genome position (GRCh38, 1-based): chrX:63,655,740, A>G on the plus strand (T>C on the coding strand, the complement: ARHGEF9 is on the minus strand). VCF-style: chrX-63655740-A-G. GRCh37 (hg19) VCF-style: chrX-62875620-A-G.
Other names: c.898-3T>C (NM_001173479.2); c.946-3T>C (NM_001353922.2); c.993+10146T>C (NM_001369043.1, NM_001369044.1); c.994-3T>C (NM_001330495.2, NM_001369038.1, NM_001369037.1 and 4 more transcripts); c.1096-3T>C (NM_001353923.1); c.862-3T>C (NM_001369041.1, NM_001353927.2); c.877-3T>C (NM_001369040.1, NM_001369039.1, NM_001353926.2 and 1 more transcripts); c.1057-3T>C (NM_001369031.1, NM_001369030.1, NM_001369032.1 and 1 more transcripts); and 3 more.
Identifiers: ClinVar variation 1054613 (VCV001054613.9), dbSNP rs1409374479, ClinGen allele CA877108555.

ClinVar aggregate classification (germline): Uncertain significance (1 of 4 stars; one submission).

Conditions:
Developmental and epileptic encephalopathy, 8 (DEE8). Also called: HYPEREKPLEXIA AND EPILEPSY. Identifiers: Orphanet 163985, Orphanet 2076, MedGen C1845102, MONDO:0010375, OMIM 300607.

Allele frequency attached by ClinVar (database versions not stated): TOPMed below 0.00001; gnomAD 0.00001.
gnomAD v4.1: 1 of 1,205,490 alleles (0.000083%); highest among the groups gnomAD compares: Non-Finnish European, 0.00011%; no homozygotes.

Submission:

Labcorp Genetics (formerly Invitae), Labcorp
Classification: Uncertain significance for Developmental and epileptic encephalopathy, 8. Last evaluated: 2023-08-24. Review status: criteria provided, single submitter. Criteria: Invitae Variant Classification Sherloc (09022015). Collection method: clinical testing. Allele origin: germline.
Comment: In summary, the available evidence is currently insufficient to determine the role of this variant in disease. Therefore, it has been classified as a Variant of Uncertain Significance. Variants that disrupt the consensus splice site are a relatively common cause of aberrant splicing (PMID: 17576681, 9536098). Algorithms developed to predict the effect of sequence changes on RNA splicing suggest that this variant is not likely to affect RNA splicing. This sequence change falls in intron 7 of the ARHGEF9 gene. It does not directly change the encoded amino acid sequence of the ARHGEF9 protein. It affects a nucleotide within the consensus splice site. This variant is not present in population databases (gnomAD no frequency). This variant has not been reported in the literature in individuals affected with ARHGEF9-related conditions. ClinVar contains an entry for this variant (Variation ID: 1054613).

Literature cited by the submitters: PubMed 17576681; PubMed 9536098.